The following is an entry in ClinVar:

NM_012188.5(FOXI1):c.1004G>T (p.Gly335Val)

Gene: FOXI1 (forkhead box I1; plus strand). Cytogenetic location: 5q35.1.
Variant type: single nucleotide variant.
Coding change: c.1004G>T on transcript NM_012188.5 (MANE Select); coding-DNA position 1004, G replaced by T.
Protein change: p.Gly335Val; replaces glycine 335 with valine.
Molecular consequence: missense variant.
Genome position (GRCh38, 1-based): chr5:170,108,478, G>T. VCF-style: chr5-170108478-G-T. GRCh37 (hg19) VCF-style: chr5-169535482-G-T.
Other names: c.719G>T, p.Gly240Val (NM_144769.4); short protein forms G335V, G240V.
Identifiers: ClinVar variation 4984038 (VCV004984038.1).

ClinVar aggregate classification (germline): Uncertain significance (1 of 4 stars; one submission).

Conditions:
FOXI1-related disorder. Also called: FOXI1-related condition.

gnomAD v4.1: 49 of 1,600,996 alleles (0.0031%); highest among the groups gnomAD compares: Non-Finnish European, 0.004%; no homozygotes.

Submission:

PreventionGenetics, part of Exact Sciences
Classification: Uncertain significance for FOXI1-related condition. Last evaluated: 2026-09-11. Review status: criteria provided, single submitter. Criteria: ACMG Guidelines, 2015. Collection method: clinical testing. Allele origin: germline.
Comment: The FOXI1 c.1004G>T variant is predicted to result in the amino acid substitution p.Gly335Val. This variant was reported in absence of second variant in an individual with Pendred syndrome (Table 2, Yang et al. 2007. PubMed ID: 17503324). This variant is reported in 0.012% of alleles in individuals of African descent in gnomAD. At this time, the clinical significance of this variant is uncertain due to the absence of conclusive functional and genetic evidence.